The following is an entry in ClinVar:

ClinVar aggregate classification (germline): Likely benign (0 of 4 stars; one submission).

Conditions:
ATXN2-related disorder. Also called: ATXN2-related condition.

Allele frequency attached by ClinVar (database versions not stated): ExAC 0.00183; gnomAD exomes 0.00240; gnomAD 0.00368.

Submission:

PreventionGenetics, part of Exact Sciences
Classification: Likely benign for ATXN2-related condition. Last evaluated: 2022-05-09. Review status: no assertion criteria provided. Collection method: clinical testing. Allele origin: germline.
Comment: This variant is classified as likely benign based on ACMG/AMP sequence variant interpretation guidelines (Richards et al. 2015 PMID: 25741868, with internal and published modifications).

NM_001372574.1(ATXN2):c.42_58del (p.Gln15fs)

Genes: ATXN2 (ataxin 2; minus strand), LOC130008791 (ATAC-STARR-seq lymphoblastoid silent region 4872; plus strand). Cytogenetic location: 12q24.12.
Variant type: Deletion.
Coding change: c.42_58del on transcript NM_001372574.1 (MANE Select); coding-DNA positions 42 to 58, 17 bases deleted (GCAGCAGCAGCAGCAAC).
Protein change: p.Gln15fs; shifts the reading frame from glutamine 15.
Molecular consequence: frameshift variant. On other transcripts: non-coding transcript variant (1), intron variant (2).
Genome position (GRCh38, 1-based): chr12:111,598,977-111,598,993, GTTGCTGCTGCTGCTGC deleted on the plus strand (GCAGCAGCAGCAGCAAC on the coding strand, the reverse complement: ATXN2 is on the minus strand). VCF-style (leftmost placement, unchanged base first): chr12-111598976-TGTTGCTGCTGCTGCTGC-T. GRCh37 (hg19) VCF-style: chr12-112036780-TGTTGCTGCTGCTGCTGC-T.
Other names: c.42_58del, p.Gln15fs (NM_002973.4); c.-28+582_-28+598del (NM_001310123.1); c.-65+582_-65+598del (NM_001310121.1); short protein forms Q15fs.
Identifiers: ClinVar variation 3043122 (VCV003043122.2), dbSNP rs759304594, ClinGen allele CA6790980.